The following is an entry in ClinVar:

ClinVar aggregate classification (germline): Likely benign (1 of 4 stars; one submission).

Allele frequency attached by ClinVar (database versions not stated): ExAC 0.00001; TOPMed 0.00002; gnomAD 0.00004; gnomAD exomes 0.00005.
gnomAD v4.1: 65 of 1,206,859 alleles (0.0054%); highest among the groups gnomAD compares: Middle Eastern, 0.023%; no homozygotes.

Submission:

CeGaT Center for Human Genetics Tuebingen
Classification: Likely benign. Last evaluated: 2022-05-01. Review status: criteria provided, single submitter. Criteria: CeGaT Center For Human Genetics Tuebingen Variant Classification Criteria Version 2. Collection method: clinical testing. Allele origin: germline. Affected: yes. Observed: 1 variant allele.
Comment: MAGEA8: BP4, BP7

NM_005364.5(MAGEA8):c.726T>C (p.Tyr242=)

Genes: MAGEA8 (MAGE family member A8; plus strand), MAGEA8-AS1 (MAGEA8 antisense RNA 1; minus strand). Cytogenetic location: Xq28.
Variant type: single nucleotide variant.
Coding change: c.726T>C on transcript NM_005364.5 (MANE Select); coding-DNA position 726, T replaced by C.
Protein change: p.Tyr242=; no amino-acid change (tyrosine 242 retained).
Molecular consequence: synonymous variant.
Genome position (GRCh38, 1-based): chrX:149,884,998, T>C. VCF-style: chrX-149884998-T-C. GRCh37 (hg19) VCF-style: chrX-149013772-T-C.
Other names: c.726T>C, p.Tyr242= (NM_001166400.2, NM_001166401.2).
Identifiers: ClinVar variation 2661622 (VCV002661622.24), dbSNP rs782068342, ClinGen allele CA10538381.